The following is an entry in ClinVar:

NM_016038.4(SBDS):c.710T>A (p.Leu237His)

Gene: SBDS (SBDS ribosome maturation factor; minus strand). Cytogenetic location: 7q11.21.
Variant type: single nucleotide variant.
Coding change: c.710T>A on transcript NM_016038.4 (MANE Select); coding-DNA position 710, T replaced by A.
Protein change: p.Leu237His; replaces leucine 237 with histidine.
Molecular consequence: missense variant.
Genome position (GRCh38, 1-based): chr7:66,988,414, A>T on the plus strand (T>A on the coding strand, the complement: SBDS is on the minus strand). VCF-style: chr7-66988414-A-T. GRCh37 (hg19) VCF-style: chr7-66453401-A-T.
Other names: short protein forms L237H.
Identifiers: ClinVar variation 3792735 (VCV003792735.1).

ClinVar aggregate classification (germline): Uncertain significance (1 of 4 stars; one submission).

Conditions:
Inborn genetic diseases. Identifiers: MedGen C0950123, MeSH D030342.

Submission:

Ambry Genetics
Classification: Uncertain significance for Inborn genetic diseases. Last evaluated: 2025-02-08. Review status: criteria provided, single submitter. Criteria: Ambry Variant Classification Scheme 2023. Collection method: clinical testing. Allele origin: germline.
Comment: The p.L237H variant (also known as c.710T>A), located in coding exon 5 of the SBDS gene, results from a T to A substitution at nucleotide position 710. The leucine at codon 237 is replaced by histidine, an amino acid with similar properties. This amino acid position is conserved. In addition, this alteration is predicted to be deleterious by in silico analysis. Based on the available evidence, the clinical significance of this variant remains unclear.